The following is an entry in ClinVar:

NM_024408.4(NOTCH2):c.1661A>G (p.Tyr554Cys)

Gene: NOTCH2 (notch receptor 2; minus strand). Cytogenetic location: 1p12.
Variant type: single nucleotide variant.
Coding change: c.1661A>G on transcript NM_024408.4 (MANE Select); coding-DNA position 1661, A replaced by G.
Protein change: p.Tyr554Cys; replaces tyrosine 554 with cysteine.
Molecular consequence: missense variant.
Genome position (GRCh38, 1-based): chr1:119,965,473, T>C on the plus strand (A>G on the coding strand, the complement: NOTCH2 is on the minus strand). VCF-style: chr1-119965473-T-C. GRCh37 (hg19) VCF-style: chr1-120508096-T-C.
Other names: c.1661A>G, p.Tyr554Cys (NM_001200001.2); short protein forms Y554C.
Identifiers: ClinVar variation 2796456 (VCV002796456.3), dbSNP rs1651100810, ClinGen allele CA341874986.

ClinVar aggregate classification (germline): Uncertain significance (1 of 4 stars; one submission).

Conditions:
Hajdu-Cheney syndrome (HJCYS). Also called: ACROOSTEOLYSIS WITH OSTEOPOROSIS AND CHANGES IN SKULL AND MANDIBLE; Acroosteolysis dominant type; SERPENTINE FIBULA-POLYCYSTIC KIDNEY SYNDROME. Identifiers: Orphanet 955, MedGen C0917715, MONDO:0007057, OMIM 102500.

Submission:

Labcorp Genetics (formerly Invitae), Labcorp
Classification: Uncertain significance for Hajdu-Cheney syndrome. Last evaluated: 2023-11-13. Review status: criteria provided, single submitter. Criteria: Invitae Variant Classification Sherloc (09022015). Collection method: clinical testing. Allele origin: germline.
Comment: This sequence change replaces tyrosine, which is neutral and polar, with cysteine, which is neutral and slightly polar, at codon 554 of the NOTCH2 protein (p.Tyr554Cys). This variant is not present in population databases (gnomAD no frequency). This variant has not been reported in the literature in individuals affected with NOTCH2-related conditions. Advanced modeling of protein sequence and biophysical properties (such as structural, functional, and spatial information, amino acid conservation, physicochemical variation, residue mobility, and thermodynamic stability) performed at Invitae indicates that this missense variant is expected to disrupt NOTCH2 protein function with a positive predictive value of 95%. In summary, the available evidence is currently insufficient to determine the role of this variant in disease. Therefore, it has been classified as a Variant of Uncertain Significance.